The following is an entry in ClinVar:

ClinVar aggregate classification (germline): Benign/Likely benign. Review status: criteria provided, multiple submitters, no conflicts (2 of 4 stars). 13 submissions from 13 submitters: Benign (7); Likely benign (2). 4 of the submissions do not count toward it. Last evaluated 2026-02-04.

Conditions:
Usher syndrome type 2C. Also called: Usher syndrome, type 2B; USHER SYNDROME, TYPE IIC. Identifiers: Orphanet 231178, Orphanet 886, MedGen C2931213, MONDO:0011558, OMIM 605472.

Allele frequency attached by ClinVar (database versions not stated): 1000 Genomes Project 30x 0.01046; 1000 Genomes Project 0.01138; TOPMed 0.01967; ESP Exome Variant Server 0.02233; gnomAD 0.02239 and 0.02332; gnomAD exomes 0.02307; ExAC 0.02318.
gnomAD v4.1: 47,080 of 1,613,534 alleles (2.9%); highest among the groups gnomAD compares: Non-Finnish European, 3.4%; 845 homozygotes.

Submissions (13):

Labcorp Genetics (formerly Invitae), Labcorp
Classification: Benign. Last evaluated: 2026-02-04. Review status: criteria provided, single submitter. Criteria: Invitae Variant Classification Sherloc (09022015). Collection method: clinical testing. Allele origin: germline.

ARUP Laboratories, Molecular Genetics and Genomics, ARUP Laboratories
Classification: Benign. Last evaluated: 2023-11-03. Review status: criteria provided, single submitter. Criteria: ARUP Molecular Germline Variant Investigation Process 2024. Collection method: clinical testing. Allele origin: germline.

Mayo Clinic Laboratories, Mayo Clinic
Classification: Benign. Last evaluated: 2022-08-11. Review status: criteria provided, single submitter. Criteria: ACMG Guidelines, 2015. Collection method: clinical testing. Allele origin: germline. Observed: 9 variant alleles.

Athena Diagnostics
Classification: Benign. Last evaluated: 2018-01-26. Review status: criteria provided, single submitter. Criteria: Athena Diagnostics Criteria. Collection method: clinical testing. Allele origin: germline.

Illumina Laboratory Services, Illumina
Classification: Likely benign for Usher syndrome type 2C. Last evaluated: 2018-01-12. Review status: criteria provided, single submitter. Criteria: ICSL Variant Classification Criteria 13 December 2019. Collection method: clinical testing. Allele origin: germline.
Comment: This variant was observed in the ICSL laboratory as part of a predisposition screen in an ostensibly healthy population. It had not been previously curated by ICSL or reported in the Human Gene Mutation Database (HGMD: prior to June 1st, 2018), and was therefore a candidate for classification through an automated scoring system. Utilizing variant allele frequency, disease prevalence and penetrance estimates, and inheritance mode, an automated score was calculated to assess if this variant is too frequent to cause the disease. Based on the score and internal cut-off values, a variant classified as likely benign is not then subjected to further curation. The score for this variant resulted in a classification of likely benign for this disease.

Eurofins Ntd Llc (ga)
Classification: Benign. Last evaluated: 2014-11-07. Review status: criteria provided, single submitter. Criteria: EGL Classification Definitions 2015. Collection method: clinical testing. Allele origin: germline. Observed: 1 variant allele, 1 heterozygote.

GeneDx
Classification: Benign. Last evaluated: 2013-05-14. Review status: criteria provided, single submitter. Criteria: GeneDx Variant Classification (06012015). Collection method: clinical testing. Allele origin: germline. Affected: yes.
Comment: This variant is considered likely benign or benign based on one or more of the following criteria: it is a conservative change, it occurs at a poorly conserved position in the protein, it is predicted to be benign by multiple in silico algorithms, and/or has population frequency not consistent with disease.

Laboratory for Molecular Medicine, Mass General Brigham Personalized Medicine
Classification: Benign. Last evaluated: 2012-04-10. Review status: criteria provided, single submitter. Criteria: LMM Criteria. Collection method: clinical testing. Allele origin: germline. Observed: 91 variant alleles.

Breakthrough Genomics
Classification: Likely benign. Review status: criteria provided, single submitter. Criteria: ACMG Guidelines, 2015. Collection method: not provided. Allele origin: germline. Inheritance: Autosomal recessive inheritance. Affected: yes.

Diagnostic Laboratory, Department of Genetics, University Medical Center Groningen
Classification: Benign. Review status: no assertion criteria provided. Collection method: clinical testing. Allele origin: germline. Affected: yes. Study: VKGL Data-share Consensus. Not counted in ClinVar's aggregate classification.

Genetic Services Laboratory, University of Chicago
Classification: Likely benign. Review status: no assertion criteria provided. Collection method: clinical testing. Allele origin: germline. Inheritance: Autosomal dominant inheritance. Not counted in ClinVar's aggregate classification.
Comment: Likely benign based on allele frequency in 1000 Genomes Project or ESP global frequency and its presence in a patient with a rare or unrelated disease phenotype. NOT Sanger confirmed

Genome Diagnostics Laboratory, University Medical Center Utrecht
Classification: Benign. Review status: no assertion criteria provided. Collection method: clinical testing. Allele origin: germline. Affected: yes. Study: VKGL Data-share Consensus. Not counted in ClinVar's aggregate classification.

NEI Ophthalmic Genomics Laboratory, National Institutes of Health
No classification provided. Review status: no classification provided. Collection method: not provided. Allele origin: not provided. Not counted in ClinVar's aggregate classification.

Literature cited by the submitters: PubMed 27884173 (cited by Athena Diagnostics); PubMed 22952768 (cited by Athena Diagnostics); PubMed 23441107 (cited by Athena Diagnostics); PubMed 25262649 (cited by Athena Diagnostics).

NM_032119.4(ADGRV1):c.10577T>C (p.Met3526Thr)

Gene: ADGRV1 (adhesion G protein-coupled receptor V1; plus strand). Cytogenetic location: 5q14.3.
Variant type: single nucleotide variant.
Coding change: c.10577T>C on transcript NM_032119.4 (MANE Select); coding-DNA position 10577, T replaced by C.
Protein change: p.Met3526Thr; replaces methionine 3526 with threonine.
Molecular consequence: missense variant. On other transcripts: non-coding transcript variant (1).
Genome position (GRCh38, 1-based): chr5:90,745,073, T>C. VCF-style: chr5-90745073-T-C. GRCh37 (hg19) VCF-style: chr5-90040890-T-C.
Other names: p.M3526T:ATG>ACG; short protein forms M3526T.
Identifiers: ClinVar variation 46249 (VCV000046249.37), dbSNP rs41311343, ClinGen allele CA137993.